The following is an entry in ClinVar:

ClinVar aggregate classification (germline): Uncertain significance (0 of 4 stars; one submission).

Conditions:
BRPF1-related disorder. Also called: BRPF1-related condition.

Submission:

PreventionGenetics, part of Exact Sciences
Classification: Uncertain significance for BRPF1-related condition. Last evaluated: 2024-08-12. Review status: no assertion criteria provided. Collection method: clinical testing. Allele origin: germline.
Comment: The BRPF1 c.197G>A variant is predicted to result in the amino acid substitution p.Arg66His. To our knowledge, this variant has not been reported in the literature or in gnomAD, indicating this variant is rare. At this time, the clinical significance of this variant is uncertain due to the absence of conclusive functional and genetic evidence.

NM_001003694.2(BRPF1):c.197G>A (p.Arg66His)

Gene: BRPF1 (bromodomain and PHD finger containing 1; plus strand). Cytogenetic location: 3p25.3.
Variant type: single nucleotide variant.
Coding change: c.197G>A on transcript NM_001003694.2 (MANE Select); coding-DNA position 197, G replaced by A.
Protein change: p.Arg66His; replaces arginine 66 with histidine.
Molecular consequence: missense variant. On other transcripts: non-coding transcript variant (1).
Genome position (GRCh38, 1-based): chr3:9,734,337, G>A. VCF-style: chr3-9734337-G-A. GRCh37 (hg19) VCF-style: chr3-9776021-G-A.
Other names: c.197G>A, p.Arg66His (NM_001319049.2, NM_001319050.2, NM_001410704.1 and 1 more transcripts); short protein forms R66H.
Identifiers: ClinVar variation 3354149 (VCV003354149.1).